The following is an entry in ClinVar:

ClinVar aggregate classification (germline): Benign. Review status: criteria provided, multiple submitters, no conflicts (2 of 4 stars). 2 submissions from 2 submitters: Benign (2). Last evaluated 2026-01-26.

Conditions:
Cystinuria (CSNU). Also called: Cystinuria, non-type I; CYSTINURIA, TYPE I; CYSTINURIA, TYPE II; CYSTINURIA, TYPE III. Identifiers: Orphanet 214, MedGen C0010691, MONDO:0009067, OMIM 220100, HP:0003131.

Allele frequency attached by ClinVar (database versions not stated): ExAC 0.00110; 1000 Genomes Project 0.00180; 1000 Genomes Project 30x 0.00219; gnomAD exomes 0.00032 and 0.00084; TOPMed 0.00359; gnomAD 0.00332 and 0.00368; ESP Exome Variant Server 0.00446.
gnomAD v4.1: 984 of 1,614,054 alleles (0.061%); highest among the groups gnomAD compares: African/African-American, 1.2%; 6 homozygotes.

Submissions (2):

Labcorp Genetics (formerly Invitae), Labcorp
Classification: Benign for Cystinuria. Last evaluated: 2026-01-26. Review status: criteria provided, single submitter. Criteria: Invitae Variant Classification Sherloc (09022015). Collection method: clinical testing. Allele origin: germline.

Mayo Clinic Laboratories, Mayo Clinic
Classification: Benign. Last evaluated: 2025-09-30. Review status: criteria provided, single submitter. Criteria: ACMG Guidelines, 2015. Collection method: clinical testing. Allele origin: germline. Observed: 2 variant alleles.
Comment: BS1, BS2, BP4, BP7

NM_000341.4(SLC3A1):c.1572C>T (p.Asn524=)

Gene: SLC3A1 (solute carrier family 3 member 1; plus strand). Cytogenetic location: 2p21.
Variant type: single nucleotide variant.
Coding change: c.1572C>T on transcript NM_000341.4 (MANE Select); coding-DNA position 1572, C replaced by T.
Protein change: p.Asn524=; no amino-acid change (asparagine 524 retained).
Molecular consequence: synonymous variant.
Genome position (GRCh38, 1-based): chr2:44,313,906, C>T. VCF-style: chr2-44313906-C-T. GRCh37 (hg19) VCF-style: chr2-44541045-C-T.
Other names: p.Asn524=.
Identifiers: ClinVar variation 789838 (VCV000789838.8), dbSNP rs149590349, ClinGen allele CA1640643.